The following is an entry in ClinVar:

NM_000918.4(P4HB):c.286G>C (p.Val96Leu)

Gene: P4HB (prolyl 4-hydroxylase subunit beta; minus strand). Cytogenetic location: 17q25.3.
Variant type: single nucleotide variant.
Coding change: c.286G>C on transcript NM_000918.4 (MANE Select); coding-DNA position 286, G replaced by C.
Protein change: p.Val96Leu; replaces valine 96 with leucine.
Molecular consequence: missense variant.
Genome position (GRCh38, 1-based): chr17:81,859,247, C>G on the plus strand (G>C on the coding strand, the complement: P4HB is on the minus strand). VCF-style: chr17-81859247-C-G. GRCh37 (hg19) VCF-style: chr17-79817123-C-G.
Other names: short protein forms V96L.
Identifiers: ClinVar variation 2974807 (VCV002974807.3), dbSNP rs1567842828, ClinGen allele CA401517850.

ClinVar aggregate classification (germline): Uncertain significance (1 of 4 stars; one submission).

Submission:

Labcorp Genetics (formerly Invitae), Labcorp
Classification: Uncertain significance. Last evaluated: 2023-02-10. Review status: criteria provided, single submitter. Criteria: Invitae Variant Classification Sherloc (09022015). Collection method: clinical testing. Allele origin: germline.
Comment: This sequence change replaces valine, which is neutral and non-polar, with leucine, which is neutral and non-polar, at codon 96 of the P4HB protein (p.Val96Leu). This variant is not present in population databases (gnomAD no frequency). This variant has not been reported in the literature in individuals affected with P4HB-related conditions. Advanced modeling of protein sequence and biophysical properties (such as structural, functional, and spatial information, amino acid conservation, physicochemical variation, residue mobility, and thermodynamic stability) performed at Invitae indicates that this missense variant is not expected to disrupt P4HB protein function. In summary, the available evidence is currently insufficient to determine the role of this variant in disease. Therefore, it has been classified as a Variant of Uncertain Significance.